The following is an entry in ClinVar:

NM_015909.4(NBAS):c.438A>G (p.Leu146=)

Gene: NBAS (NBAS subunit of NRZ tethering complex; minus strand). Cytogenetic location: 2p24.3.
Variant type: single nucleotide variant.
Coding change: c.438A>G on transcript NM_015909.4 (MANE Select); coding-DNA position 438, A replaced by G.
Protein change: p.Leu146=; no amino-acid change (leucine 146 retained).
Molecular consequence: synonymous variant. On other transcripts: non-coding transcript variant (1).
Genome position (GRCh38, 1-based): chr2:15,539,298, T>C on the plus strand (A>G on the coding strand, the complement: NBAS is on the minus strand). VCF-style: chr2-15539298-T-C. GRCh37 (hg19) VCF-style: chr2-15679422-T-C.
Other names: c.438A>G (NM_015909.3).
Identifiers: ClinVar variation 1919424 (VCV001919424.6), dbSNP rs765808752, ClinGen allele CA1537053.

ClinVar aggregate classification (germline): Likely benign. Review status: criteria provided, multiple submitters, no conflicts (2 of 4 stars). 2 submissions from 2 submitters: Likely benign (2). Last evaluated 2026-04-17.

Conditions:
NBAS-related disorder. Also called: NBAS-related condition.

Allele frequency attached by ClinVar (database versions not stated): gnomAD exomes below 0.00001; gnomAD 0.00001; ExAC 0.00002; TOPMed 0.00003.
gnomAD v4.1: 7 of 1,614,124 alleles (0.00043%); highest among the groups gnomAD compares: African/African-American, 0.004%; no homozygotes.

Submissions (2):

PreventionGenetics, part of Exact Sciences
Classification: Likely benign for NBAS-related condition. Last evaluated: 2026-04-17. Review status: criteria provided, single submitter. Criteria: ACMG Guidelines, 2015. Collection method: clinical testing. Allele origin: germline.
Comment: This variant is classified as likely benign based on ACMG/AMP sequence variant interpretation guidelines (Richards et al. 2015 PMID: 25741868, with internal and published modifications).

Labcorp Genetics (formerly Invitae), Labcorp
Classification: Likely benign. Last evaluated: 2025-02-17. Review status: criteria provided, single submitter. Criteria: Invitae Variant Classification Sherloc (09022015). Collection method: clinical testing. Allele origin: germline.